The following is an entry in ClinVar:

ClinVar aggregate classification (germline): Pathogenic (1 of 4 stars; one submission).

Conditions:
Waardenburg syndrome type 4C (WS4C). Also called: WAARDENBURG SYNDROME WITH HIRSCHSPRUNG DISEASE, TYPE 4C. Identifiers: Orphanet 897, MedGen C2750452, MONDO:0013202, OMIM 613266.

Submission:

Institute of Rare Diseases, West China Hospital, Sichuan University
Classification: Pathogenic for Waardenburg syndrome type 4C. Last evaluated: 2025-01-09. Review status: criteria provided, single submitter. Criteria: ClinGen HL ACMG Specifications v1. Collection method: research. Allele origin: germline. Affected: yes.
Comment: PM1;PVS1;PS2;PP4;PM2_Supporting

NM_006941.4(SOX10):c.284_285del (p.Asn95fs)

Genes: POLR2F (RNA polymerase II, I and III subunit F; plus strand), SOX10 (SRY-box transcription factor 10; minus strand). Cytogenetic location: 22q13.1.
Variant type: Deletion.
Coding change: c.284_285del on transcript NM_006941.4 (MANE Select); coding-DNA positions 284 to 285, 2 bases deleted (AC; older notation c.284_285delAC).
Protein change: p.Asn95fs; shifts the reading frame from asparagine 95.
Molecular consequence: frameshift variant. On other transcripts: intron variant (3).
Genome position (GRCh38, 1-based): chr22:37,983,500-37,983,501, GT deleted on the plus strand (AC on the coding strand, the reverse complement: SOX10 is on the minus strand). VCF-style (leftmost placement, unchanged base first): chr22-37983499-CGT-C. GRCh37 (hg19) VCF-style: chr22-38379506-CGT-C.
Other names: c.*38+11190_*38+11191del (NM_001363825.1); c.294-2654_294-2653del (NM_001301130.2); c.293+16330_293+16331del (NM_001301131.2); short protein forms N95fs.
Identifiers: ClinVar variation 3601816 (VCV003601816.1).